The following is an entry in ClinVar:

NM_000493.4(COL10A1):c.1250C>T (p.Pro417Leu)

Genes: COL10A1 (collagen type X alpha 1 chain; minus strand), NT5DC1 (5'-nucleotidase domain containing 1; plus strand). Cytogenetic location: 6q22.1.
Variant type: single nucleotide variant.
Coding change: c.1250C>T on transcript NM_000493.4 (MANE Select); coding-DNA position 1250, C replaced by T.
Protein change: p.Pro417Leu; replaces proline 417 with leucine.
Molecular consequence: missense variant. On other transcripts: intron variant (1).
Genome position (GRCh38, 1-based): chr6:116,120,866, G>A on the plus strand (C>T on the coding strand, the complement: COL10A1 is on the minus strand). VCF-style: chr6-116120866-G-A. GRCh37 (hg19) VCF-style: chr6-116442029-G-A.
Other names: c.1250C>T (NM_000493.3); c.1250C>T, p.Pro417Leu (NM_001424106.1, NM_001424107.1); c.529+2921G>A (NM_152729.3); short protein forms P417L.
Identifiers: ClinVar variation 1413797 (VCV001413797.7), dbSNP rs2114283577, ClinGen allele CA365388746.

ClinVar aggregate classification (germline): Uncertain significance. Review status: criteria provided, multiple submitters, no conflicts (2 of 4 stars). 2 submissions from 2 submitters: Uncertain significance (2). Last evaluated 2025-12-21.

Conditions:
Inborn genetic diseases. Identifiers: MedGen C0950123, MeSH D030342.

gnomAD v4.1: 1 of 1,613,844 alleles (0.000062%); highest among the groups gnomAD compares: Non-Finnish European, 0.000085%; no homozygotes.

Submissions (2):

Labcorp Genetics (formerly Invitae), Labcorp
Classification: Uncertain significance. Last evaluated: 2025-12-21. Review status: criteria provided, single submitter. Criteria: Invitae Variant Classification Sherloc (09022015). Collection method: clinical testing. Allele origin: germline.
Comment: This sequence change replaces proline, which is neutral and non-polar, with leucine, which is neutral and non-polar, at codon 417 of the COL10A1 protein (p.Pro417Leu). This variant is not present in population databases (gnomAD no frequency). This variant has not been reported in the literature in individuals affected with COL10A1-related conditions. ClinVar contains an entry for this variant (Variation ID: 1413797). Invitae Evidence Modeling of protein sequence and biophysical properties (such as structural, functional, and spatial information, amino acid conservation, physicochemical variation, residue mobility, and thermodynamic stability) has been performed for this missense variant. However, the output from this modeling did not meet the statistical confidence thresholds required to predict the impact of this variant on COL10A1 protein function. In summary, the available evidence is currently insufficient to determine the role of this variant in disease. Therefore, it has been classified as a Variant of Uncertain Significance.

Ambry Genetics
Classification: Uncertain significance for Inborn genetic diseases. Last evaluated: 2025-06-18. Review status: criteria provided, single submitter. Criteria: Ambry Variant Classification Scheme 2023. Collection method: clinical testing. Allele origin: germline.